The following is an entry in ClinVar:

NM_153212.3(GJB4):c.370C>T (p.Arg124Trp)

Gene: GJB4 (gap junction protein beta 4; plus strand). Cytogenetic location: 1p34.3.
Variant type: single nucleotide variant.
Coding change: c.370C>T on transcript NM_153212.3 (MANE Select); coding-DNA position 370, C replaced by T.
Protein change: p.Arg124Trp; replaces arginine 124 with tryptophan.
Molecular consequence: missense variant.
Genome position (GRCh38, 1-based): chr1:34,761,624, C>T. VCF-style: chr1-34761624-C-T. GRCh37 (hg19) VCF-style: chr1-35227225-C-T.
Other names: short protein forms R124W.
Identifiers: ClinVar variation 1019551 (VCV001019551.9), dbSNP rs373126632, ClinGen allele CA754563.

ClinVar aggregate classification (germline): Uncertain significance (1 of 4 stars; one submission).

Allele frequency attached by ClinVar (database versions not stated): TOPMed 0.00006; ESP Exome Variant Server 0.00008; ExAC 0.00009; 1000 Genomes Project 30x 0.00016; 1000 Genomes Project 0.00020.
gnomAD v4.1: 75 of 1,614,224 alleles (0.0046%); highest among the groups gnomAD compares: East Asian, 0.036%; no homozygotes.

Submission:

Labcorp Genetics (formerly Invitae), Labcorp
Classification: Uncertain significance. Last evaluated: 2023-05-04. Review status: criteria provided, single submitter. Criteria: Invitae Variant Classification Sherloc (09022015). Collection method: clinical testing. Allele origin: germline.
Comment: In summary, the available evidence is currently insufficient to determine the role of this variant in disease. Therefore, it has been classified as a Variant of Uncertain Significance. Advanced modeling of protein sequence and biophysical properties (such as structural, functional, and spatial information, amino acid conservation, physicochemical variation, residue mobility, and thermodynamic stability) has been performed at Invitae for this missense variant, however the output from this modeling did not meet the statistical confidence thresholds required to predict the impact of this variant on GJB4 protein function. ClinVar contains an entry for this variant (Variation ID: 1019551). This missense change has been observed in individual(s) with hearing loss (PMID: 17259707, 25333454). This variant is present in population databases (rs373126632, gnomAD 0.05%), and has an allele count higher than expected for a pathogenic variant. This sequence change replaces arginine, which is basic and polar, with tryptophan, which is neutral and slightly polar, at codon 124 of the GJB4 protein (p.Arg124Trp).

Literature cited by the submitters: PubMed 17259707; PubMed 25333454.